The following is an entry in ClinVar:

ClinVar aggregate classification (germline): Uncertain significance (1 of 4 stars; one submission).

gnomAD v4.1: 3 of 1,283,846 alleles (0.00023%); highest among the groups gnomAD compares: Non-Finnish European, 0.00033%; no homozygotes.

Submission:

Dasa
Classification: Uncertain significance. Last evaluated: 2026-02-27. Review status: criteria provided, single submitter. Criteria: DASA Assertion Criteria. Collection method: clinical testing. Allele origin: germline.
Comment: NM_022168.4(IFIH1):c.1642-5T>G is a splice-region variant. This variant is rare in population databases. Computational prediction algorithms are consistent with a deleterious effect. The currently available literature and clinical evidence are not sufficient to establish a definitive association between this variant and the reported condition. Therefore, this variant is classified as a variant of uncertain significance.

NM_022168.4(IFIH1):c.1642-5T>G

Gene: IFIH1 (interferon induced with helicase C domain 1; minus strand). Cytogenetic location: 2q24.2.
Variant type: single nucleotide variant.
Coding change: c.1642-5T>G on transcript NM_022168.4 (MANE Select); 5 bases into the intron before coding-DNA position 1642, T replaced by G.
Molecular consequence: intron variant.
Genome position (GRCh38, 1-based): chr2:162,278,333, A>C on the plus strand (T>G on the coding strand, the complement: IFIH1 is on the minus strand). VCF-style: chr2-162278333-A-C. GRCh37 (hg19) VCF-style: chr2-163134843-A-C.
Identifiers: ClinVar variation 4885329 (VCV004885329.2).